The following is an entry in ClinVar:

ClinVar aggregate classification (germline): Pathogenic (1 of 4 stars; one submission).

Allele frequency attached by ClinVar (database versions not stated): ExAC 0.00002.
gnomAD v4.1: 5 of 1,610,806 alleles (0.00031%); highest among the groups gnomAD compares: African/African-American, 0.0067%; no homozygotes.

Submission:

Labcorp Genetics (formerly Invitae), Labcorp
Classification: Pathogenic. Last evaluated: 2020-06-04. Review status: criteria provided, single submitter. Criteria: Invitae Variant Classification Sherloc (09022015). Collection method: clinical testing. Allele origin: germline.
Comment: For these reasons, this variant has been classified as Pathogenic. Loss-of-function variants in LAMB3 are known to be pathogenic (PMID: 11023379, 16473856). This variant has not been reported in the literature in individuals with LAMB3-related conditions. This variant is present in population databases (rs775405524, ExAC 0.02%). This sequence change creates a premature translational stop signal (p.Gln206*) in the LAMB3 gene. It is expected to result in an absent or disrupted protein product.

Literature cited by the submitters: PubMed 11023379; PubMed 16473856.

NM_000228.3(LAMB3):c.616C>T (p.Gln206Ter)

Gene: LAMB3 (laminin subunit beta 3; minus strand). Cytogenetic location: 1q32.2.
Variant type: single nucleotide variant.
Coding change: c.616C>T on transcript NM_000228.3 (MANE Select); coding-DNA position 616, C replaced by T.
Protein change: p.Gln206Ter; replaces glutamine 206 with a stop codon.
Molecular consequence: nonsense.
Genome position (GRCh38, 1-based): chr1:209,633,082, G>A on the plus strand (C>T on the coding strand, the complement: LAMB3 is on the minus strand). VCF-style: chr1-209633082-G-A. GRCh37 (hg19) VCF-style: chr1-209806427-G-A.
Other names: c.616C>T, p.Gln206Ter (NM_001017402.2, NM_001127641.1); short protein forms Q206*.
Identifiers: ClinVar variation 1072651 (VCV001072651.7), dbSNP rs775405524, ClinGen allele CA1375901.